The following is an entry in ClinVar:

NM_007294.4(BRCA1):c.170G>A (p.Gly57Glu)

Gene: BRCA1 (BRCA1 DNA repair associated; minus strand). Cytogenetic location: 17q21.31.
Variant type: single nucleotide variant.
Coding change: c.170G>A on transcript NM_007294.4 (MANE Select); coding-DNA position 170, G replaced by A.
Protein change: p.Gly57Glu; replaces glycine 57 with glutamic acid.
Molecular consequence: missense variant. On other transcripts: non-coding transcript variant (1).
Genome position (GRCh38, 1-based): chr17:43,106,498, C>T on the plus strand (G>A on the coding strand, the complement: BRCA1 is on the minus strand). VCF-style: chr17-43106498-C-T. GRCh37 (hg19) VCF-style: chr17-41258515-C-T.
Other names: c.29G>A, p.Gly10Glu (NM_001407736.1, NM_001407737.1, NM_001407738.1 and 99 more transcripts); c.-19G>A (NM_001407853.1, NM_001407879.1, NM_001407881.1 and 58 more transcripts); c.170G>A, p.Gly57Glu (NM_001407854.1, NM_001407858.1, NM_001407859.1 and 168 more transcripts); short protein forms G10E, G57E.
Identifiers: ClinVar variation 1778531 (VCV001778531.7), dbSNP rs1597900455, ClinGen allele CA10601816.

ClinVar aggregate classification (germline): Uncertain significance. Review status: criteria provided, multiple submitters, no conflicts (2 of 4 stars). 4 submissions from 4 submitters: Uncertain significance (4). Last evaluated 2024-07-09.

Conditions:
Hereditary breast ovarian cancer syndrome. Also called: Hereditary breast and ovarian cancer syndrome; Hereditary breast and ovarian cancer; Hereditary breast and ovarian cancer syndrome (HBOC); Breast and ovarian cancer; Hereditary breast and/or ovarian cancer syndrome; BRCA1- and BRCA2-Associated Hereditary Breast and Ovarian Cancer. Identifiers: Orphanet 145, MedGen C0677776, MeSH D061325, MONDO:0003582. Disease mechanism: loss of function.
Breast-ovarian cancer, familial, susceptibility to, 1 (BROVCA1). Also called: OVARIAN CANCER, SUSCEPTIBILITY TO; BRCA1 Hereditary Breast and Ovarian Cancer. Identifiers: Orphanet 145, MedGen C2676676, MONDO:0011450, OMIM 604370. Disease mechanism: loss of function.
Hereditary cancer-predisposing syndrome. Also called: Neoplastic Syndromes, Hereditary; Tumor predisposition; Hereditary neoplastic syndrome; Hereditary Cancer Syndrome. Identifiers: Orphanet 140162, MedGen C0027672, MeSH D009386, MONDO:0015356.

Allele frequency attached by ClinVar (database versions not stated): gnomAD exomes below 0.00001.

Submissions (4):

Labcorp Genetics (formerly Invitae), Labcorp
Classification: Uncertain significance for Hereditary breast ovarian cancer syndrome. Last evaluated: 2024-07-09. Review status: criteria provided, single submitter. Criteria: Invitae Variant Classification Sherloc (09022015). Collection method: clinical testing. Allele origin: germline.
Comment: This sequence change replaces glycine, which is neutral and non-polar, with glutamic acid, which is acidic and polar, at codon 57 of the BRCA1 protein (p.Gly57Glu). This variant is not present in population databases (gnomAD no frequency). This variant has not been reported in the literature in individuals affected with BRCA1-related conditions. ClinVar contains an entry for this variant (Variation ID: 1778531). Advanced modeling of protein sequence and biophysical properties (such as structural, functional, and spatial information, amino acid conservation, physicochemical variation, residue mobility, and thermodynamic stability) performed at Invitae indicates that this missense variant is not expected to disrupt BRCA1 protein function with a negative predictive value of 95%. In summary, the available evidence is currently insufficient to determine the role of this variant in disease. Therefore, it has been classified as a Variant of Uncertain Significance.

Baylor Genetics
Classification: Uncertain significance for Breast-ovarian cancer, familial, susceptibility to, 1. Last evaluated: 2023-12-02. Review status: criteria provided, single submitter. Criteria: ACMG Guidelines, 2015. Collection method: clinical testing. Allele origin: unknown.

Ambry Genetics
Classification: Uncertain significance for Hereditary cancer-predisposing syndrome. Last evaluated: 2022-04-03. Review status: criteria provided, single submitter. Criteria: Ambry Variant Classification Scheme 2023. Collection method: clinical testing. Allele origin: germline.
Comment: The p.G57E variant (also known as c.170G>A), located in coding exon 3 of the BRCA1 gene, results from a G to A substitution at nucleotide position 170. The glycine at codon 57 is replaced by glutamic acid, an amino acid with similar properties. This amino acid position is conserved. In addition, the in silico prediction for this alteration is inconclusive. Since supporting evidence is limited at this time, the clinical significance of this alteration remains unclear.

Blueprint Genetics
Classification: Uncertain significance. Last evaluated: 2020-11-20. Review status: criteria provided, single submitter. Criteria: ACMG Guidelines, 2015. Collection method: clinical testing. Allele origin: germline.